The following is an entry in ClinVar:

NM_152866.3(MS4A1):c.556A>C (p.Ile186Leu)

Gene: MS4A1 (membrane spanning 4-domains A1; plus strand). Cytogenetic location: 11q12.2.
Variant type: single nucleotide variant.
Coding change: c.556A>C on transcript NM_152866.3 (MANE Select); coding-DNA position 556, A replaced by C.
Protein change: p.Ile186Leu; replaces isoleucine 186 with leucine.
Molecular consequence: missense variant.
Genome position (GRCh38, 1-based): chr11:60,466,140, A>C. VCF-style: chr11-60466140-A-C. GRCh37 (hg19) VCF-style: chr11-60233613-A-C.
Other names: c.556A>C, p.Ile186Leu (NM_021950.4, NM_152867.2); short protein forms I186L.
Identifiers: ClinVar variation 1352088 (VCV001352088.6), dbSNP rs375847581, ClinGen allele CA222764339.

ClinVar aggregate classification (germline): Uncertain significance (1 of 4 stars; one submission).

Allele frequency attached by ClinVar (database versions not stated): ESP Exome Variant Server 0.00008.

Submission:

Labcorp Genetics (formerly Invitae), Labcorp
Classification: Uncertain significance. Last evaluated: 2022-07-26. Review status: criteria provided, single submitter. Criteria: Invitae Variant Classification Sherloc (09022015). Collection method: clinical testing. Allele origin: germline.
Comment: This variant has not been reported in the literature in individuals affected with MS4A1-related conditions. This sequence change replaces isoleucine, which is neutral and non-polar, with leucine, which is neutral and non-polar, at codon 186 of the MS4A1 protein (p.Ile186Leu). This variant is not present in population databases (gnomAD no frequency). ClinVar contains an entry for this variant (Variation ID: 1352088). Algorithms developed to predict the effect of missense changes on protein structure and function (SIFT, PolyPhen-2, Align-GVGD) all suggest that this variant is likely to be tolerated. In summary, the available evidence is currently insufficient to determine the role of this variant in disease. Therefore, it has been classified as a Variant of Uncertain Significance.